The following is an entry in ClinVar:

ClinVar aggregate classification (germline): Uncertain significance (0 of 4 stars; one submission).

Allele frequency attached by ClinVar (database versions not stated): 1000 Genomes Project 30x 0.00016.
gnomAD v4.1: 239 of 1,614,104 alleles (0.015%); highest among the groups gnomAD compares: South Asian, 0.15%; 2 homozygotes.

Submission:

Department of Pathology and Laboratory Medicine, Sinai Health System
Classification: Uncertain significance. Review status: no assertion criteria provided. Collection method: clinical testing. Allele origin: unknown. Affected: yes. Study: The Canadian Open Genetics Repository (COGR).
Comment: The CYP2C8 p.R132W variant was not identified in the literature nor was it identified in ClinVar. The variant was identified in dbSNP (ID: Â¬â€ rs145992929) and in control databases in 58 of 282746 chromosomes (1 homozygous) at a frequency of 0.0002051, and was observed at the highest frequency in the South Asian population in 44 of 30614 chromosomes (freq: 0.001437) (Genome Aggregation Database March 6, 2019, v2.1.1). The p.R132 residue is not conserved in mammals and computational analyses (MUT Assesor, PolyPhen-2, SIFT, MutationTaster, Revel, FATHMM, MetaLR, DANN) provide inconsistent predictions regarding the impact to the protein; this information is not very predictive of pathogenicity. The variant occurs outside of the splicing consensus sequence and in silico or computational prediction software programs (Splice AI exome) do not predict a deleterious effect on splicing. In summary, based on the above information the clinical significance of this variant cannot be determined with certainty at this time. This variant is classified as a variant of uncertain significance.

NM_000770.3(CYP2C8):c.394C>T (p.Arg132Trp)

Gene: CYP2C8 (cytochrome P450 family 2 subfamily C member 8; minus strand). Cytogenetic location: 10q23.33.
Variant type: single nucleotide variant.
Coding change: c.394C>T on transcript NM_000770.3 (MANE Select); coding-DNA position 394, C replaced by T.
Protein change: p.Arg132Trp; replaces arginine 132 with tryptophan.
Molecular consequence: missense variant.
Genome position (GRCh38, 1-based): chr10:95,067,295, G>A on the plus strand (C>T on the coding strand, the complement: CYP2C8 is on the minus strand). VCF-style: chr10-95067295-G-A. GRCh37 (hg19) VCF-style: chr10-96827052-G-A.
Other names: c.184C>T, p.Arg62Trp (NM_001198853.1, NM_001198855.1); c.88C>T, p.Arg30Trp (NM_001198854.1); short protein forms R132W, R30W, R62W.
Identifiers: ClinVar variation 1050506 (VCV001050506.1), dbSNP rs145992929, ClinGen allele CA5617800.